The following is an entry in ClinVar:

NM_022552.5(DNMT3A):c.1602_1615dup (p.Ile539fs)

Gene: DNMT3A (DNA methyltransferase 3 alpha; minus strand). Cytogenetic location: 2p23.3.
Variant type: Duplication.
Coding change: c.1602_1615dup on transcript NM_022552.5 (MANE Select); coding-DNA positions 1602 to 1615, 14 bases duplicated (GTCCTACTGCACCA).
Protein change: p.Ile539fs; shifts the reading frame from isoleucine 539.
Molecular consequence: frameshift variant. On other transcripts: non-coding transcript variant (1).
Genome position (GRCh38, 1-based): chr2:25,244,592-25,244,605, TGGTGCAGTAGGAC duplicated on the plus strand (GTCCTACTGCACCA on the coding strand, the reverse complement: DNMT3A is on the minus strand); duplicating any 14 consecutive bases within chr2:25,244,592-25,244,609 gives the same sequence; the c. name uses the placement nearest the transcript's 3' end. VCF-style (leftmost placement, unchanged base first): chr2-25244591-A-ATGGTGCAGTAGGAC. GRCh37 (hg19) VCF-style: chr2-25467460-A-ATGGTGCAGTAGGAC.
Other names: c.1146_1159dup, p.Ile387fs (NM_001320893.1); c.933_946dup, p.Ile316fs (NM_001375819.1); c.1035_1048dup, p.Ile350fs (NM_153759.3); c.1602_1615dup, p.Ile539fs (NM_175629.2); c.1602_1615dup14 (NM_175629.2); short protein forms I316fs, I350fs, I387fs, I539fs.
Identifiers: ClinVar variation 3349699 (VCV003349699.1).

ClinVar aggregate classification (germline): Likely pathogenic (0 of 4 stars; one submission).

Conditions:
DNMT3A-related disorder. Also called: DNMT3A-related condition; DNMT3A-related disorders.

Submission:

PreventionGenetics, part of Exact Sciences
Classification: Likely pathogenic for DNMT3A-related condition. Last evaluated: 2024-03-13. Review status: no assertion criteria provided. Collection method: clinical testing. Allele origin: germline.
Comment: The DNMT3A c.1602_1615dup14 variant is predicted to result in a frameshift and premature protein termination (p.Ile539Serfs*117). To our knowledge, this variant has not been reported in the literature or in a large population database, indicating this variant is rare. Frameshift variants in DNMT3A are expected to be pathogenic. This variant is interpreted as likely pathogenic.